The following is an entry in ClinVar:

NM_003743.5(NCOA1):c.2736A>G (p.Gln912=)

Gene: NCOA1 (nuclear receptor coactivator 1; plus strand). Cytogenetic location: 2p23.3.
Variant type: single nucleotide variant.
Coding change: c.2736A>G on transcript NM_003743.5 (MANE Select); coding-DNA position 2736, A replaced by G.
Protein change: p.Gln912=; no amino-acid change (glutamine 912 retained).
Molecular consequence: synonymous variant.
Genome position (GRCh38, 1-based): chr2:24,728,326, A>G. VCF-style: chr2-24728326-A-G. GRCh37 (hg19) VCF-style: chr2-24951195-A-G.
Other names: c.2736A>G, p.Gln912= (NM_001362950.1, NM_001362952.1, NM_001362954.1 and 3 more transcripts).
Identifiers: ClinVar variation 3035794 (VCV003035794.2), dbSNP rs746848871, ClinGen allele CA1552491.

ClinVar aggregate classification (germline): Likely benign (0 of 4 stars; one submission).

Conditions:
NCOA1-related disorder. Also called: NCOA1-related condition.

Allele frequency attached by ClinVar (database versions not stated): ExAC 0.00002; gnomAD exomes 0.00002; gnomAD 0.00005; TOPMed 0.00006.
gnomAD v4.1: 26 of 1,611,936 alleles (0.0016%); highest among the groups gnomAD compares: Admixed American, 0.032%; no homozygotes.

Submission:

PreventionGenetics, part of Exact Sciences
Classification: Likely benign for NCOA1-related condition. Last evaluated: 2020-07-02. Review status: no assertion criteria provided. Collection method: clinical testing. Allele origin: germline.
Comment: This variant is classified as likely benign based on ACMG/AMP sequence variant interpretation guidelines (Richards et al. 2015 PMID: 25741868, with internal and published modifications).